The following is an entry in ClinVar:

NM_001927.4(DES):c.528C>G (p.Val176=)

Gene: DES (desmin; plus strand). Cytogenetic location: 2q35.
Variant type: single nucleotide variant.
Coding change: c.528C>G on transcript NM_001927.4 (MANE Select); coding-DNA position 528, C replaced by G.
Protein change: p.Val176=; no amino-acid change (valine 176 retained).
Molecular consequence: synonymous variant.
Genome position (GRCh38, 1-based): chr2:219,418,990, C>G. VCF-style: chr2-219418990-C-G. GRCh37 (hg19) VCF-style: chr2-220283712-C-G.
Other names: c.528C>G (LRG_380t1).
Identifiers: ClinVar variation 387788 (VCV000387788.4), dbSNP rs1057522906, ClinGen allele CA16604070.
Genomic context (GRCh38, chr2:219,418,990, plus strand): 5'-GGAGGAGCTGCGGGAGCTGCGGCGCCAGGTGGAGGTGCTCACTAACCAGCGCGCGCGCGT[C>G]GACGTCGAGCGCGACAACCTGCTCGACGACCTGCAGCGGCTCAAGGCCAAGTGAGGGCCC-3'
Protein context (NP_001918.3, residues 166-186): VEVLTNQRAR[Val176=]DVERDNLLDD

ClinVar aggregate classification (germline): Likely benign. Review status: criteria provided, multiple submitters, no conflicts (2 of 4 stars). 2 submissions from 2 submitters: Likely benign (2). Last evaluated 2023-07-31.

Conditions:
Desmin-related myofibrillar myopathy (MFM1). Also called: Myofibrillar myopathy 1; Desminopathy; DESMIN-RELATED MYOPATHY WITH ARRHYTHMOGENIC RIGHT VENTRICULAR CARDIOMYOPATHY; Desmin related myopathy (former name); Desmin storage myopathy (former name); MYOFIBRILLAR MYOPATHY WITH ARRHYTHMOGENIC RIGHT VENTRICULAR CARDIOMYOPATHY. Identifiers: Orphanet 363543, Orphanet 98909, MedGen C1832370, MONDO:0011076, OMIM 601419.

Allele frequency attached by ClinVar (database versions not stated): TOPMed below 0.00001.

Submissions (2):

Labcorp Genetics (formerly Invitae), Labcorp
Classification: Likely benign for Desmin-related myofibrillar myopathy. Last evaluated: 2023-07-31. Review status: criteria provided, single submitter. Criteria: Invitae Variant Classification Sherloc (09022015). Collection method: clinical testing. Allele origin: germline.

GeneDx
Classification: Likely benign. Last evaluated: 2016-07-13. Review status: criteria provided, single submitter. Criteria: GeneDx Variant Classification (06012015). Collection method: clinical testing. Allele origin: germline. Affected: yes.
Comment: This variant is considered likely benign or benign based on one or more of the following criteria: it is a conservative change, it occurs at a poorly conserved position in the protein, it is predicted to be benign by multiple in silico algorithms, and/or has population frequency not consistent with disease.